The following is an entry in ClinVar:

NM_020928.2(ZSWIM6):c.2863A>G (p.Thr955Ala)

Gene: ZSWIM6 (zinc finger SWIM-type containing 6; plus strand). Cytogenetic location: 5q12.1.
Variant type: single nucleotide variant.
Coding change: c.2863A>G on transcript NM_020928.2 (MANE Select); coding-DNA position 2863, A replaced by G.
Protein change: p.Thr955Ala; replaces threonine 955 with alanine.
Molecular consequence: missense variant.
Genome position (GRCh38, 1-based): chr5:61,543,532, A>G. VCF-style: chr5-61543532-A-G. GRCh37 (hg19) VCF-style: chr5-60839359-A-G.
Other names: short protein forms T955A.
Identifiers: ClinVar variation 4701933 (VCV004701933.1).
Genomic context (GRCh38, chr5:61,543,532, plus strand): 5'-AGCATCATGCAGACCTGGTTTACACTCTTTACTCCCACCGAGGCCACAAGTATAGTTGCA[A>G]CTACCGTGATGTCCAACAGCACCATCGTCCGCCTCCACCTGGACTGCCACCAGCAGGAAA-3'
Protein context (NP_065979.1, residues 945-965): TPTEATSIVA[Thr955Ala]TVMSNSTIVR

ClinVar aggregate classification (germline): Uncertain significance (1 of 4 stars; one submission).

gnomAD v4.1: 1 of 1,551,618 alleles (0.000064%); highest among the groups gnomAD compares: Non-Finnish European, 0.000087%; no homozygotes.

Submission:

Labcorp Genetics (formerly Invitae), Labcorp
Classification: Uncertain significance. Last evaluated: 2025-10-17. Review status: criteria provided, single submitter. Criteria: Invitae Variant Classification Sherloc (09022015). Collection method: clinical testing. Allele origin: germline.
Comment: This sequence change replaces threonine, which is neutral and polar, with alanine, which is neutral and non-polar, at codon 955 of the ZSWIM6 protein (p.Thr955Ala). This variant is not present in population databases (gnomAD no frequency). This variant has not been reported in the literature in individuals affected with ZSWIM6-related conditions. Invitae Evidence Modeling of protein sequence and biophysical properties (such as structural, functional, and spatial information, amino acid conservation, physicochemical variation, residue mobility, and thermodynamic stability) indicates that this missense variant is not expected to disrupt ZSWIM6 protein function with a negative predictive value of 80%. In summary, the available evidence is currently insufficient to determine the role of this variant in disease. Therefore, it has been classified as a Variant of Uncertain Significance.